The following is an entry in ClinVar:

ClinVar aggregate classification (germline): Uncertain significance (0 of 4 stars; one submission).

Conditions:
SF3B1-related disorder. Also called: SF3B1-related condition.

Submission:

PreventionGenetics, part of Exact Sciences
Classification: Uncertain significance for SF3B1-related condition. Last evaluated: 2024-09-17. Review status: no assertion criteria provided. Collection method: clinical testing. Allele origin: germline.
Comment: The SF3B1 c.395G>A variant is predicted to result in the amino acid substitution p.Arg132His. To our knowledge, this variant has not been reported in the literature or in a large population database, indicating this variant is rare. At this time, the clinical significance of this variant is uncertain due to the absence of conclusive functional and genetic evidence.

NM_012433.4(SF3B1):c.395G>A (p.Arg132His)

Gene: SF3B1 (splicing factor 3b subunit 1; minus strand). Cytogenetic location: 2q33.1.
Variant type: single nucleotide variant.
Coding change: c.395G>A on transcript NM_012433.4 (MANE Select); coding-DNA position 395, G replaced by A.
Protein change: p.Arg132His; replaces arginine 132 with histidine.
Molecular consequence: missense variant.
Genome position (GRCh38, 1-based): chr2:197,420,448, C>T on the plus strand (G>A on the coding strand, the complement: SF3B1 is on the minus strand). VCF-style: chr2-197420448-C-T. GRCh37 (hg19) VCF-style: chr2-198285172-C-T.
Other names: c.395G>A, p.Arg132His (NM_001005526.2, NM_001308824.1); short protein forms R132H.
Identifiers: ClinVar variation 3344759 (VCV003344759.1).